The following is an entry in ClinVar:

ClinVar aggregate classification (germline): Conflicting classifications of pathogenicity. Review status: criteria provided, conflicting classifications (1 of 4 stars). 4 submissions from 4 submitters: Uncertain significance (1); Likely benign (2). 1 of the submissions does not count toward it. Last evaluated 2026-02-01.

Conditions:
Brody myopathy. Also called: BRODY DISEASE. Identifiers: Orphanet 53347, MedGen C1832918, MONDO:0010977, OMIM 601003.
ATP2A1-related disorder. Also called: ATP2A1-related condition.

Allele frequency attached by ClinVar (database versions not stated): gnomAD 0.00011 and 0.00013; ExAC 0.00018; gnomAD exomes 0.00018; TOPMed 0.00019; 1000 Genomes Project 0.00060; 1000 Genomes Project 30x 0.00062.

Submissions (4):

Labcorp Genetics (formerly Invitae), Labcorp
Classification: Likely benign for Brody myopathy. Last evaluated: 2026-02-01. Review status: criteria provided, single submitter. Criteria: Invitae Variant Classification Sherloc (09022015). Collection method: clinical testing. Allele origin: germline.

GeneDx
Classification: Uncertain significance. Last evaluated: 2025-07-10. Review status: criteria provided, single submitter. Criteria: GeneDx Variant Classification Process June 2021. Collection method: clinical testing. Allele origin: germline. Affected: yes.
Comment: In silico analysis supports that this missense variant has a deleterious effect on protein structure/function; Has not been previously published as pathogenic or benign to our knowledge

Revvity Omics, Revvity
Classification: Likely benign for Brody myopathy. Last evaluated: 2024-03-18. Review status: criteria provided, single submitter. Criteria: ACMG Guidelines, 2015. Collection method: clinical testing. Allele origin: germline.

PreventionGenetics, part of Exact Sciences
Classification: Likely benign for ATP2A1-related condition. Last evaluated: 2021-09-13. Review status: no assertion criteria provided. Collection method: clinical testing. Allele origin: germline. Not counted in ClinVar's aggregate classification.
Comment: This variant is classified as likely benign based on ACMG/AMP sequence variant interpretation guidelines (Richards et al. 2015 PMID: 25741868, with internal and published modifications).

NM_004320.6(ATP2A1):c.1207C>T (p.Arg403Trp)

Gene: ATP2A1 (ATPase sarcoplasmic/endoplasmic reticulum Ca2+ transporting 1; plus strand). Cytogenetic location: 16p11.2.
Variant type: single nucleotide variant.
Coding change: c.1207C>T on transcript NM_004320.6 (MANE Select); coding-DNA position 1207, C replaced by T.
Protein change: p.Arg403Trp; replaces arginine 403 with tryptophan.
Molecular consequence: missense variant.
Genome position (GRCh38, 1-based): chr16:28,894,527, C>T. VCF-style: chr16-28894527-C-T. GRCh37 (hg19) VCF-style: chr16-28905848-C-T.
Other names: c.832C>T, p.Arg278Trp (NM_001286075.2); c.1207C>T, p.Arg403Trp (NM_173201.5); c.1207C>T (NM_173201.4); short protein forms R403W, R278W.
Identifiers: ClinVar variation 432237 (VCV000432237.24), dbSNP rs117350233, ClinGen allele CA7986892.